The following continues an entry in ClinVar:

NM_000540.3(RYR1):c.7373G>A (p.Arg2458His)

Gene: RYR1. ClinVar aggregate classification (germline): drug response. drug response (7).

Submissions 13 to 20 of 20:

PreventionGenetics, part of Exact Sciences
Classification: Pathogenic for RYR1-related condition. Last evaluated: 2023-01-05. Review status: criteria provided, single submitter. Criteria: ACMG Guidelines, 2015. Collection method: clinical testing. Allele origin: germline. Not counted in ClinVar's aggregate classification.
Comment: The RYR1 c.7373G>A variant is predicted to result in the amino acid substitution p.Arg2458His. This variant has been reported in over 25 individuals and 9 families with malignant hyperthermia (MH) (Manning et al 1998. PubMed ID: 9450902; Carpenter D et al 2009. PubMed ID: 19648156; Li DW et al 2017. PubMed ID: 29355282; Miller DM et al 2018. PubMed ID: 30236257; Yeh HM et al 2020. PubMed ID: 32919876; Fusto et al. 2022. PubMed ID: 35428369). This variant is listed by the European Malignant Hyperthermia group as a clear diagnostic variant for MH. Functional studies indicate the p.Arg2458His variant results in enhanced sensitivity to caffeine and halothane (Tong et al. 1999. PubMed ID: 9873004; Murayama et al. 2016. PubMed ID: 27586648; Yang et al. 2003. PubMed ID: 12732639). The c.7373G>A variant has also been reported in the compound heterozygous state with another RYR1 variant in at least two individuals with arthrogryposis multiplex congenita, indicating this variant is also causative for autosomal recessive RYR1-related disorders (Laquérriere A et al 2013. PubMed ID: 24319099) This variant is reported in 0.0054% of alleles in individuals of East Asian descent in gnomAD. This variant is interpreted as pathogenic.

Blueprint Genetics
Classification: Pathogenic for RYR1-related disorders. Last evaluated: 2022-05-25. Review status: criteria provided, single submitter. Criteria: ACMG Guidelines, 2015. Collection method: clinical testing. Allele origin: germline. Affected: yes. Observed: 5 variant alleles. Not counted in ClinVar's aggregate classification.

Laboratory for Molecular Medicine, Mass General Brigham Personalized Medicine
Classification: Pathogenic for Malignant hyperthermia of anesthesia. Last evaluated: 2020-06-11. Review status: criteria provided, single submitter. Criteria: ACMG Guidelines, 2015. Collection method: clinical testing. Allele origin: germline. Not counted in ClinVar's aggregate classification.
Comment: The p.Arg2458His variant in RYR1 has been reported in >15 individuals with malignant hyperthermia and segregated in >10 affected family members (Li 2017, Shepherd 2006, Ibarra 2006, Carpenter 2009, Laquerriere 2014, Gillies 2008, Manning 1998, Rubegni 2019, Robinson 2006, Miller 2018, Kaufmann 2012). This variant has been identified in 1/18382 East Asian chromosomes by gnomAD and in ClinVar by the PharmGKB expert panel with evidence level 1A for susceptibility to malignant hyperthermia, the annotation for a variant-drug combination in a CPIC or medical society-endorsed PGx guideline (Variation ID 12972). Computational prediction tools and conservation analysis suggest that this variant may impact the protein. Furthermore, in vitro functional studies indicated that this variant confers increase sensitivity to RYR1-agonists such as caffeine (Yang 2003, Tong 1997, Tong 1999). In summary, this variant meets criteria to be classified as pathogenic for autosomal dominant malignant hyperthermia. ACMG/AMP Criteria applied: PS4, PP1_Strong, PM2, PP3, PS3_Supporting.

Human Genome Sequencing Center Clinical Lab, Baylor College of Medicine
Classification: Likely pathogenic for Malignant hyperthermia suceptibility 1. Last evaluated: 2018-10-08. Review status: criteria provided, single submitter. Criteria: ACMG Guidelines, 2015. Collection method: clinical testing. Allele origin: germline. Not counted in ClinVar's aggregate classification.
Comment: The c.7373G>A(p.Arg2458His) variant in the RYR1 gene has been reported in multiple unrelated patients with malignant hyperthermia and segregates with disease in two unrelated families (PMID: 9450902, 22415532, 19648156). In silico analyses of this conserved variant predict damaging consequences on the RYR1 protein. The functional study also demonstrated that the variant increased the Ca2+-induced Ca2+release (CICR) activity and had enhanced sensitivity to caffeine and halothane(PMID: 12732639, 22415532, 27586648). Therefore, this c.7373G>A(p.Arg2458His) variant is classified as likely pathogenic for malignant hyperthermia.

Clinical Genetics and Genomics, Karolinska University Hospital
Classification: Likely pathogenic. Last evaluated: 2017-02-21. Review status: criteria provided, single submitter. Criteria: ACMG Guidelines, 2015. Collection method: clinical testing. Allele origin: germline. Affected: yes. Observed: 1 variant allele. Not counted in ClinVar's aggregate classification.

Eurofins Ntd Llc (ga)
Classification: Pathogenic. Last evaluated: 2013-10-18. Review status: criteria provided, single submitter. Criteria: EGL Classification Definitions. Collection method: clinical testing. Allele origin: germline. Observed: 3 variant alleles, 3 heterozygotes. Not counted in ClinVar's aggregate classification.

OMIM
Classification: risk factor for MALIGNANT HYPERTHERMIA, SUSCEPTIBILITY TO, 1. Last evaluated: 1998-01-01. Review status: no assertion criteria provided. Collection method: literature only. Allele origin: germline. Not counted in ClinVar's aggregate classification.

RYR1 database
No classification provided. Review status: no classification provided. Collection method: not provided. Allele origin: unknown. Not counted in ClinVar's aggregate classification.

Literature cited by the submitters: PubMed 14985404 (cited by 4 submitters); PubMed 16732084 (cited by 6 submitters); PubMed 16917943 (cited by ClinPGx and Laboratory for Molecular Medicine, Mass General Brigham Personalized Medicine); PubMed 18564801 (cited by 5 submitters); PubMed 19648156 (cited by 5 submitters); PubMed 22415532 (cited by 6 submitters); PubMed 9450902 (cited by 6 submitters); PubMed 21118704 (cited by OLLIN Analises Genomicas, OLLIN); PubMed 30236257 (cited by 5 submitters); PubMed 16163667 (cited by OLLIN Analises Genomicas, OLLIN); PubMed 21157159 (cited by OLLIN Analises Genomicas, OLLIN); PubMed 27586648 (cited by 4 submitters); PubMed 12732639 (cited by 5 submitters); PubMed 12700608 (cited by Labcorp Genetics (formerly Invitae), Labcorp); PubMed 24319099 (cited by Labcorp Genetics (formerly Invitae), Labcorp and Laboratory for Molecular Medicine, Mass General Brigham Personalized Medicine); PubMed 9334205 (cited by Labcorp Genetics (formerly Invitae), Labcorp and Laboratory for Molecular Medicine, Mass General Brigham Personalized Medicine); PubMed 9873004 (cited by Labcorp Genetics (formerly Invitae), Labcorp and Laboratory for Molecular Medicine, Mass General Brigham Personalized Medicine); PubMed 29355282 (cited by Laboratory for Molecular Medicine, Mass General Brigham Personalized Medicine); PubMed 9497245 (cited by Laboratory for Molecular Medicine, Mass General Brigham Personalized Medicine); PubMed 31517061 (cited by Laboratory for Molecular Medicine, Mass General Brigham Personalized Medicine).